The following is an entry in ClinVar:

ClinVar aggregate classification (germline): Uncertain significance. Review status: criteria provided, multiple submitters, no conflicts (2 of 4 stars). 2 submissions from 2 submitters: Uncertain significance (2). Last evaluated 2024-03-05.

Allele frequency attached by ClinVar (database versions not stated): gnomAD exomes 0.00001; gnomAD 0.00002; TOPMed 0.00003; ExAC 0.00004; ESP Exome Variant Server 0.00008.
gnomAD v4.1: 19 of 1,613,990 alleles (0.0012%); highest among the groups gnomAD compares: African/African-American, 0.004%; no homozygotes.

Submissions (2):

Labcorp Genetics (formerly Invitae), Labcorp
Classification: Uncertain significance. Last evaluated: 2024-03-05. Review status: criteria provided, single submitter. Criteria: Invitae Variant Classification Sherloc (09022015). Collection method: clinical testing. Allele origin: germline.
Comment: This sequence change replaces arginine, which is basic and polar, with tryptophan, which is neutral and slightly polar, at codon 344 of the APCDD1 protein (p.Arg344Trp). This variant is present in population databases (rs143146906, gnomAD 0.01%). This variant has not been reported in the literature in individuals affected with APCDD1-related conditions. ClinVar contains an entry for this variant (Variation ID: 2231033). Advanced modeling of protein sequence and biophysical properties (such as structural, functional, and spatial information, amino acid conservation, physicochemical variation, residue mobility, and thermodynamic stability) performed at Invitae indicates that this missense variant is not expected to disrupt APCDD1 protein function with a negative predictive value of 80%. In summary, the available evidence is currently insufficient to determine the role of this variant in disease. Therefore, it has been classified as a Variant of Uncertain Significance.

Ambry Genetics
Classification: Uncertain significance. Last evaluated: 2022-08-16. Review status: criteria provided, single submitter. Criteria: Ambry Variant Classification Scheme 2023. Collection method: clinical testing. Allele origin: germline.

NM_153000.5(APCDD1):c.1030C>T (p.Arg344Trp)

Gene: APCDD1 (APC down-regulated 1; plus strand). Cytogenetic location: 18p11.22.
Variant type: single nucleotide variant.
Coding change: c.1030C>T on transcript NM_153000.5 (MANE Select); coding-DNA position 1030, C replaced by T.
Protein change: p.Arg344Trp; replaces arginine 344 with tryptophan.
Molecular consequence: missense variant.
Genome position (GRCh38, 1-based): chr18:10,485,717, C>T. VCF-style: chr18-10485717-C-T. GRCh37 (hg19) VCF-style: chr18-10485714-C-T.
Other names: short protein forms R344W.
Identifiers: ClinVar variation 2231033 (VCV002231033.4), dbSNP rs143146906, ClinGen allele CA8891186.
Genomic context (GRCh38, chr18:10,485,717, plus strand): 5'-GGCCACTACTACCACTACTCAGACCCGGTGTGCAAGCACCCCACCTTCTCCATCTACGCC[C>T]GGGGCCGCTACAGCCGCGGCGTCCTCTCGTCCAGGGTCATGGGAGGCACCGAGTTCGTGT-3'
Protein context (NP_694545.1, residues 334-354): CKHPTFSIYA[Arg344Trp]GRYSRGVLSS